The following is an entry in ClinVar:

ClinVar aggregate classification (germline): Likely benign. Review status: criteria provided, multiple submitters, no conflicts (2 of 4 stars). 2 submissions from 2 submitters: Likely benign (2). Last evaluated 2024-09-14.

Allele frequency attached by ClinVar (database versions not stated): ESP Exome Variant Server 0.00015; TOPMed 0.00023; ExAC 0.00044; 1000 Genomes Project 30x 0.00062; 1000 Genomes Project 0.00080.
gnomAD v4.1: 388 of 1,611,938 alleles (0.024%); highest among the groups gnomAD compares: Middle Eastern, 0.45%; 1 homozygote.

Submissions (2):

Blueprint Genetics
Classification: Likely benign. Last evaluated: 2024-09-14. Review status: criteria provided, single submitter. Criteria: ACMG Guidelines, 2015. Collection method: clinical testing. Allele origin: germline.

CeGaT Center for Human Genetics Tuebingen
Classification: Likely benign. Last evaluated: 2023-12-01. Review status: criteria provided, single submitter. Criteria: CeGaT Center For Human Genetics Tuebingen Variant Classification Criteria Version 2. Collection method: clinical testing. Allele origin: germline. Affected: yes. Observed: 5 variant alleles.
Comment: SON: BP4, BP7

NM_138927.4(SON):c.7173A>G (p.Leu2391=)

Gene: SON (SON DNA and RNA binding protein; plus strand). Cytogenetic location: 21q22.11.
Variant type: single nucleotide variant.
Coding change: c.7173A>G on transcript NM_138927.4 (MANE Select); coding-DNA position 7173, A replaced by G.
Protein change: p.Leu2391=; no amino-acid change (leucine 2391 retained).
Molecular consequence: synonymous variant. On other transcripts: non-coding transcript variant (1).
Genome position (GRCh38, 1-based): chr21:33,575,845, A>G. VCF-style: chr21-33575845-A-G. GRCh37 (hg19) VCF-style: chr21-34948151-A-G.
Other names: c.1257A>G, p.Leu419= (NM_001291412.3, NM_001412132.1); c.7173A>G, p.Leu2391= (NM_001412133.1); c.*969A>G (NM_058183.2); c.*275A>G (NM_138926.1).
Identifiers: ClinVar variation 2652627 (VCV002652627.25), dbSNP rs144018038, ClinGen allele CA10010190.
Genomic context (GRCh38, chr21:33,575,845, plus strand): 5'-TCCTGTGTCTGCTTTGATGGAGATCTGTAATAAAAGAAGGTGGCAACCACCTGAATTTCT[A>G]TTGGTCCATGATAGTGGCCCTGATCATCGCAAACATTTTCTCTTTAGGGTAAATATGAAT-3'
Protein context (NP_620305.3, residues 2381-2401): NKRRWQPPEF[Leu2391=]LVHDSGPDHR